The following is an entry in ClinVar:

ClinVar aggregate classification (germline): Uncertain significance (1 of 4 stars; one submission).

Conditions:
RASopathy. Also called: Noonan spectrum disorder; rasopathies. Identifiers: Orphanet 536391, MedGen C5555857, MONDO:0021060.

Submission:

Labcorp Genetics (formerly Invitae), Labcorp
Classification: Uncertain significance for RASopathy. Last evaluated: 2023-11-14. Review status: criteria provided, single submitter. Criteria: Invitae Variant Classification Sherloc (09022015). Collection method: clinical testing. Allele origin: germline.
Comment: This sequence change replaces arginine, which is basic and polar, with proline, which is neutral and non-polar, at codon 585 of the CBL protein (p.Arg585Pro). This variant is not present in population databases (gnomAD no frequency). This variant has not been reported in the literature in individuals affected with CBL-related conditions. Advanced modeling of protein sequence and biophysical properties (such as structural, functional, and spatial information, amino acid conservation, physicochemical variation, residue mobility, and thermodynamic stability) performed at Invitae indicates that this missense variant is not expected to disrupt CBL protein function with a negative predictive value of 95%. In summary, the available evidence is currently insufficient to determine the role of this variant in disease. Therefore, it has been classified as a Variant of Uncertain Significance.

NM_005188.4(CBL):c.1754G>C (p.Arg585Pro)

Gene: CBL (Cbl proto-oncogene; plus strand). Cytogenetic location: 11q23.3.
Variant type: single nucleotide variant.
Coding change: c.1754G>C on transcript NM_005188.4 (MANE Select); coding-DNA position 1754, G replaced by C.
Protein change: p.Arg585Pro; replaces arginine 585 with proline.
Molecular consequence: missense variant.
Genome position (GRCh38, 1-based): chr11:119,285,379, G>C. VCF-style: chr11-119285379-G-C. GRCh37 (hg19) VCF-style: chr11-119156089-G-C.
Other names: short protein forms R585P.
Identifiers: ClinVar variation 2695716 (VCV002695716.3), dbSNP rs727504640, ClinGen allele CA382920048.